The following is an entry in ClinVar:

ClinVar aggregate classification (germline): Uncertain significance. Review status: criteria provided, multiple submitters, no conflicts (2 of 4 stars). 2 submissions from 2 submitters: Uncertain significance (2). Last evaluated 2025-06-12.

Allele frequency attached by ClinVar (database versions not stated): ExAC 0.00007; gnomAD exomes 0.00009; gnomAD 0.00011; TOPMed 0.00015.
gnomAD v4.1: 149 of 1,611,706 alleles (0.0092%); highest among the groups gnomAD compares: Middle Eastern, 0.065%; no homozygotes.

Submissions (2):

Labcorp Genetics (formerly Invitae), Labcorp
Classification: Uncertain significance. Last evaluated: 2025-06-12. Review status: criteria provided, single submitter. Criteria: Invitae Variant Classification Sherloc (09022015). Collection method: clinical testing. Allele origin: germline.
Comment: This sequence change replaces cysteine, which is neutral and slightly polar, with glycine, which is neutral and non-polar, at codon 103 of the NDUFB9 protein (p.Cys103Gly). This variant is present in population databases (rs757935794, gnomAD 0.04%). This variant has not been reported in the literature in individuals affected with NDUFB9-related conditions. ClinVar contains an entry for this variant (Variation ID: 2167590). An algorithm developed to predict the effect of missense changes on protein structure and function (PolyPhen-2) suggests that this variant is likely to be tolerated. In summary, the available evidence is currently insufficient to determine the role of this variant in disease. Therefore, it has been classified as a Variant of Uncertain Significance.

Ambry Genetics
Classification: Uncertain significance. Last evaluated: 2024-02-21. Review status: criteria provided, single submitter. Criteria: Ambry Variant Classification Scheme 2023. Collection method: clinical testing. Allele origin: germline.

NM_005005.3(NDUFB9):c.307T>G (p.Cys103Gly)

Gene: NDUFB9 (NADH:ubiquinone oxidoreductase subunit B9; plus strand). Cytogenetic location: 8q24.13.
Variant type: single nucleotide variant.
Coding change: c.307T>G on transcript NM_005005.3 (MANE Select); coding-DNA position 307, T replaced by G.
Protein change: p.Cys103Gly; replaces cysteine 103 with glycine.
Molecular consequence: missense variant.
Genome position (GRCh38, 1-based): chr8:124,547,012, T>G. VCF-style: chr8-124547012-T-G. GRCh37 (hg19) VCF-style: chr8-125559253-T-G.
Other names: c.139T>G, p.Cys47Gly (NM_001278645.2); c.178T>G, p.Cys60Gly (NM_001278646.2); c.274T>G, p.Cys92Gly (NM_001311168.2); c.307T>G (NM_005005.2); short protein forms C92G, C103G, C60G, C47G.
Identifiers: ClinVar variation 2167590 (VCV002167590.5), dbSNP rs757935794, ClinGen allele CA4871536.
Genomic context (GRCh38, chr8:124,547,012, plus strand): 5'-AGGTAAATGTGTCCTGTGGATTGATACCATGATTTCCTCTCCTGACAGGTCCCAGAATGG[T>G]GCTTAGATGACTGGCATCCTTCTGAGAAGGCAATGTATCCTGATTACTTTGCCAAGAGAG-3'
Protein context (NP_004996.1, residues 93-113): RYDCYKVPEW[Cys103Gly]LDDWHPSEKA